The following is an entry in ClinVar:

ClinVar aggregate classification (germline): Uncertain significance (1 of 4 stars; one submission).

Conditions:
Neuroblastoma, susceptibility to, 3. Also called: ALK-Related Neuroblastic Tumor Susceptibility. Identifiers: Orphanet 635, MedGen C2751681, MONDO:0013083, OMIM 613014.

Submission:

Labcorp Genetics (formerly Invitae), Labcorp
Classification: Uncertain significance for Neuroblastoma, susceptibility to, 3. Last evaluated: 2023-07-18. Review status: criteria provided, single submitter. Criteria: Invitae Variant Classification Sherloc (09022015). Collection method: clinical testing. Allele origin: germline.
Comment: This sequence change replaces glutamine, which is neutral and polar, with histidine, which is basic and polar, at codon 1482 of the ALK protein (p.Gln1482His). This variant is not present in population databases (gnomAD no frequency). This variant has not been reported in the literature in individuals affected with ALK-related conditions. An algorithm developed to predict the effect of missense changes on protein structure and function (PolyPhen-2) suggests that this variant is likely to be disruptive. In summary, the available evidence is currently insufficient to determine the role of this variant in disease. Therefore, it has been classified as a Variant of Uncertain Significance.

NM_004304.5(ALK):c.4446G>C (p.Gln1482His)

Gene: ALK (ALK receptor tyrosine kinase; minus strand). Cytogenetic location: 2p23.2.
Variant type: single nucleotide variant.
Coding change: c.4446G>C on transcript NM_004304.5 (MANE Select); coding-DNA position 4446, G replaced by C.
Protein change: p.Gln1482His; replaces glutamine 1482 with histidine.
Molecular consequence: missense variant.
Genome position (GRCh38, 1-based): chr2:29,193,641, C>G on the plus strand (G>C on the coding strand, the complement: ALK is on the minus strand). VCF-style: chr2-29193641-C-G. GRCh37 (hg19) VCF-style: chr2-29416507-C-G.
Other names: c.1242G>C, p.Gln414His (NM_001353765.2); short protein forms Q1482H, Q414H.
Identifiers: ClinVar variation 3013745 (VCV003013745.3), dbSNP rs2465874110, ClinGen allele CA346462065.